The following is an entry in ClinVar:

ClinVar aggregate classification (germline): Conflicting classifications of pathogenicity. Review status: criteria provided, conflicting classifications (1 of 4 stars). 3 submissions from 3 submitters: Uncertain significance (2); Likely benign (1). Last evaluated 2024-11-28.

Conditions:
Hypersulfaturia (HYSULF). Identifiers: MedGen C5830511, MONDO:0957268, OMIM 620372.
Nephrolithiasis susceptibility caused by SLC26A1 (CAON1). Also called: NEPHROLITHIASIS, CALCIUM OXALATE, 1. Identifiers: MedGen C5779632, MONDO:0020722, OMIM 167030.

Allele frequency attached by ClinVar (database versions not stated): TOPMed 0.00030; gnomAD 0.00031; gnomAD exomes 0.00036 and 0.00045; ExAC 0.00038; 1000 Genomes Project 0.00040; 1000 Genomes Project 30x 0.00047; ESP Exome Variant Server 0.00062.
gnomAD v4.1: 694 of 1,607,344 alleles (0.043%); highest among the groups gnomAD compares: Non-Finnish European, 0.052%; 1 homozygote.

Submissions (3):

Labcorp Genetics (formerly Invitae), Labcorp
Classification: Uncertain significance. Last evaluated: 2024-11-28. Review status: criteria provided, single submitter. Criteria: Invitae Variant Classification Sherloc (09022015). Collection method: clinical testing. Allele origin: germline.
Comment: This sequence change replaces arginine, which is basic and polar, with histidine, which is basic and polar, at codon 61 of the SLC26A1 protein (p.Arg61His). This variant is present in population databases (rs138449255, gnomAD 0.06%), and has an allele count higher than expected for a pathogenic variant. This variant has not been reported in the literature in individuals affected with SLC26A1-related conditions. ClinVar contains an entry for this variant (Variation ID: 1026422). Invitae Evidence Modeling of protein sequence and biophysical properties (such as structural, functional, and spatial information, amino acid conservation, physicochemical variation, residue mobility, and thermodynamic stability) indicates that this missense variant is expected to disrupt SLC26A1 protein function with a positive predictive value of 80%. In summary, the available evidence is currently insufficient to determine the role of this variant in disease. Therefore, it has been classified as a Variant of Uncertain Significance.

Fulgent Genetics
Classification: Likely benign for Nephrolithiasis susceptibility caused by SLC26A1; Hypersulfaturia. Last evaluated: 2024-01-31. Review status: criteria provided, single submitter. Criteria: ACMG Guidelines, 2015. Collection method: clinical testing. Allele origin: germline.

Clinical Genetics Laboratory, Skane University Hospital Lund
Classification: Uncertain significance. Last evaluated: 2023-02-13. Review status: criteria provided, single submitter. Criteria: ACMG Guidelines, 2015. Collection method: clinical testing. Allele origin: germline. Affected: yes.

NM_022042.4(SLC26A1):c.182G>A (p.Arg61His)

Genes: IDUA (alpha-L-iduronidase; plus strand), SLC26A1 (solute carrier family 26 member 1; minus strand). Cytogenetic location: 4p16.3.
Variant type: single nucleotide variant.
Coding change: c.182G>A on transcript NM_022042.4 (MANE Select); coding-DNA position 182, G replaced by A.
Protein change: p.Arg61His; replaces arginine 61 with histidine.
Molecular consequence: missense variant. On other transcripts: intron variant (1).
Genome position (GRCh38, 1-based): chr4:991,522, C>T on the plus strand (G>A on the coding strand, the complement: SLC26A1 is on the minus strand). VCF-style: chr4-991522-C-T. GRCh37 (hg19) VCF-style: chr4-985310-C-T.
Other names: c.182G>A, p.Arg61His (NM_134425.4, NM_213613.4); c.299+3573C>T (NM_000203.5); short protein forms R61H.
Identifiers: ClinVar variation 1026422 (VCV001026422.9), dbSNP rs138449255, ClinGen allele CA2801751.